The following is an entry in ClinVar:

ClinVar aggregate classification (germline): Likely benign. Review status: criteria provided, multiple submitters, no conflicts (2 of 4 stars). 3 submissions from 3 submitters: Likely benign (2). 1 of the submissions does not count toward it. Last evaluated 2026-04-01.

Conditions:
BMP6-related disorder. Also called: BMP6-related condition.
Iron overload, susceptibility to (IO). Identifiers: MedGen C5703292, MONDO:0859316, OMIM 620121.

Allele frequency attached by ClinVar (database versions not stated): gnomAD exomes 0.00045; ExAC 0.00124; 1000 Genomes Project 0.00260; 1000 Genomes Project 30x 0.00265; gnomAD 0.00344; TOPMed 0.00362; ESP Exome Variant Server 0.00400.
gnomAD v4.1: 1,227 of 1,614,048 alleles (0.076%); highest among the groups gnomAD compares: African/African-American, 1.1%; 7 homozygotes.

Submissions (3):

CeGaT Center for Human Genetics Tuebingen
Classification: Likely benign. Last evaluated: 2026-04-01. Review status: criteria provided, single submitter. Criteria: CeGaT Center For Human Genetics Tuebingen Variant Classification Criteria Version 2. Collection method: clinical testing. Allele origin: germline. Affected: yes. Observed: 2 variant alleles.
Comment: BMP6: BS1

PreventionGenetics, part of Exact Sciences
Classification: Likely benign for BMP6-related condition. Last evaluated: 2025-02-03. Review status: criteria provided, single submitter. Criteria: ACMG Guidelines, 2015. Collection method: clinical testing. Allele origin: germline.
Comment: This variant is classified as likely benign based on ACMG/AMP sequence variant interpretation guidelines (Richards et al. 2015 PMID: 25741868, with internal and published modifications).

OMIM
Classification: risk factor for IRON OVERLOAD, SUSCEPTIBILITY TO. Last evaluated: 2022-11-28. Review status: no assertion criteria provided. Collection method: literature only. Allele origin: germline. Not counted in ClinVar's aggregate classification.

Literature cited by the submitters: PubMed 28335084 (cited by OMIM); PubMed 32464486 (cited by OMIM).

NM_001718.6(BMP6):c.770G>A (p.Arg257His)

Gene: BMP6 (bone morphogenetic protein 6; plus strand). Cytogenetic location: 6p24.3.
Variant type: single nucleotide variant.
Coding change: c.770G>A on transcript NM_001718.6 (MANE Select); coding-DNA position 770, G replaced by A.
Protein change: p.Arg257His; replaces arginine 257 with histidine.
Molecular consequence: missense variant.
Genome position (GRCh38, 1-based): chr6:7,845,245, G>A. VCF-style: chr6-7845245-G-A. GRCh37 (hg19) VCF-style: chr6-7845478-G-A.
Other names: BMP6, ARG257HIS (rs148916269); c.770G>A (NM_001718.5); short protein forms R257H.
Identifiers: ClinVar variation 1801219 (VCV001801219.19), dbSNP rs148916269, ClinGen allele CA3628711.
Genomic context (GRCh38, chr6:7,845,245, plus strand): 5'-AGTTCAAGTTCAACTTATCCCAGATTCCTGAGGGTGAGGTGGTGACGGCTGCAGAATTCC[G>A]CATCTACAAGGACTGTGTTATGGGGAGTTTTAAAAACCAAACTTTTCTTATCAGCATTTA-3'
Protein context (NP_001709.1, residues 247-267): EGEVVTAAEF[Arg257His]IYKDCVMGSF